The following is an entry in ClinVar:

NM_017588.3(WDR5):c.806C>A (p.Thr269Asn)

Gene: WDR5 (WD repeat domain 5; plus strand). Cytogenetic location: 9q34.2.
Variant type: single nucleotide variant.
Coding change: c.806C>A on transcript NM_017588.3 (MANE Select); coding-DNA position 806, C replaced by A.
Protein change: p.Thr269Asn; replaces threonine 269 with asparagine.
Molecular consequence: missense variant.
Genome position (GRCh38, 1-based): chr9:134,155,757, C>A. VCF-style: chr9-134155757-C-A. GRCh37 (hg19) VCF-style: chr9-137020879-C-A.
Other names: c.806C>A, p.Thr269Asn (NM_001384409.1, NM_001384410.1, NM_001384411.1 and 5 more transcripts); c.803C>A, p.Thr268Asn (NM_001384416.1); c.797C>A, p.Thr266Asn (NM_001384417.1); c.677C>A, p.Thr226Asn (NM_001384418.1, NM_001384419.1); short protein forms T226N, T266N, T268N, T269N.
Identifiers: ClinVar variation 4823562 (VCV004823562.4).

ClinVar aggregate classification (germline): Uncertain significance (1 of 4 stars; one submission).

Submission:

CeGaT Center for Human Genetics Tuebingen
Classification: Uncertain significance. Last evaluated: 2026-03-01. Review status: criteria provided, single submitter. Criteria: CeGaT Center For Human Genetics Tuebingen Variant Classification Criteria Version 2. Collection method: clinical testing. Allele origin: germline. Affected: yes. Observed: 1 variant allele.
Comment: WDR5: PM2, PP2